The following is an entry in ClinVar:

NM_001127178.3(PIGG):c.553G>T (p.Val185Leu)

Gene: PIGG (phosphatidylinositol glycan anchor biosynthesis class G (EMM blood group); plus strand). Cytogenetic location: 4p16.3.
Variant type: single nucleotide variant.
Coding change: c.553G>T on transcript NM_001127178.3 (MANE Select); coding-DNA position 553, G replaced by T.
Protein change: p.Val185Leu; replaces valine 185 with leucine.
Molecular consequence: missense variant. On other transcripts: 5 prime UTR variant (4), non-coding transcript variant (10), intron variant (1).
Genome position (GRCh38, 1-based): chr4:505,910, G>T. VCF-style: chr4-505910-G-T. GRCh37 (hg19) VCF-style: chr4-499699-G-T.
Other names: c.286G>T, p.Val96Leu (NM_001289051.2, NM_001289053.2, NM_001289057.2 and 2 more transcripts); c.187G>T, p.Val63Leu (NM_001289055.2); c.-335G>T (NM_001345988.2); c.553G>T, p.Val185Leu (NM_001345989.2, NM_017733.5); c.-1073G>T (NM_001345990.2); c.-935G>T (NM_001345991.2); c.-660G>T (NM_001345994.2); c.361-2919G>T (NM_001289052.2); and 1 more; short protein forms V63L, V96L, V185L.
Identifiers: ClinVar variation 2163889 (VCV002163889.7), dbSNP rs782554486, ClinGen allele CA2793013.

ClinVar aggregate classification (germline): Uncertain significance. Review status: criteria provided, multiple submitters, no conflicts (2 of 4 stars). 3 submissions from 3 submitters: Uncertain significance (3). Last evaluated 2023-06-07.

Conditions:
Intellectual disability, autosomal recessive 53 (NEDHSCA). Also called: NEURODEVELOPMENTAL DISORDER WITH OR WITHOUT HYPOTONIA, SEIZURES, AND CEREBELLAR ATROPHY; GLYCOSYLPHOSPHATIDYLINOSITOL BIOSYNTHESIS DEFECT 13; Mental retardation, autosomal recessive 53. Identifiers: Orphanet 488635, MedGen C4310794, MONDO:0014832, OMIM 616917.
Inborn genetic diseases. Identifiers: MedGen C0950123, MeSH D030342.
BLOOD GROUP, EMM SYSTEM (EMM). Identifiers: MedGen C5676953, OMIM 619812.

Allele frequency attached by ClinVar (database versions not stated): gnomAD 0.00002; TOPMed 0.00003.
gnomAD v4.1: 20 of 1,611,144 alleles (0.0012%); highest among the groups gnomAD compares: East Asian, 0.042%; no homozygotes.

Submissions (3):

Ambry Genetics
Classification: Uncertain significance for Inborn genetic diseases. Last evaluated: 2023-06-07. Review status: criteria provided, single submitter. Criteria: Ambry Variant Classification Scheme 2023. Collection method: clinical testing. Allele origin: germline.

Labcorp Genetics (formerly Invitae), Labcorp
Classification: Uncertain significance for Intellectual disability, autosomal recessive 53. Last evaluated: 2022-08-16. Review status: criteria provided, single submitter. Criteria: Invitae Variant Classification Sherloc (09022015). Collection method: clinical testing. Allele origin: germline.
Comment: In summary, the available evidence is currently insufficient to determine the role of this variant in disease. Therefore, it has been classified as a Variant of Uncertain Significance. Algorithms developed to predict the effect of missense changes on protein structure and function (SIFT, PolyPhen-2, Align-GVGD) all suggest that this variant is likely to be disruptive. This variant has not been reported in the literature in individuals affected with PIGG-related conditions. This variant is present in population databases (rs782554486, gnomAD 0.07%). This sequence change replaces valine, which is neutral and non-polar, with leucine, which is neutral and non-polar, at codon 185 of the PIGG protein (p.Val185Leu).

Juno Genomics, Hangzhou Juno Genomics, Inc
Classification: Uncertain significance for BLOOD GROUP, EMM SYSTEM; Intellectual disability, autosomal recessive 53. Review status: criteria provided, single submitter. Criteria: ACMG Guidelines, 2015. Collection method: clinical testing. Allele origin: germline.
Comment: Absent from controls (or at extremely low frequency if recessive) in Genome Aggregation Database.